The following is an entry in ClinVar:

NM_014297.5(ETHE1):c.289G>C (p.Gly97Arg)

Gene: ETHE1 (ETHE1 persulfide dioxygenase; minus strand). Cytogenetic location: 19q13.31.
Variant type: single nucleotide variant.
Coding change: c.289G>C on transcript NM_014297.5 (MANE Select); coding-DNA position 289, G replaced by C.
Protein change: p.Gly97Arg; replaces glycine 97 with arginine.
Molecular consequence: missense variant. On other transcripts: intron variant (2).
Genome position (GRCh38, 1-based): chr19:43,526,287, C>G on the plus strand (G>C on the coding strand, the complement: ETHE1 is on the minus strand). VCF-style: chr19-43526287-C-G. GRCh37 (hg19) VCF-style: chr19-44030439-C-G.
Other names: c.256G>C, p.Gly86Arg (NM_001320867.2); c.81+810G>C (NM_001320869.2); c.6+228G>C (NM_001320868.2); c.289G>C (NM_014297.3); short protein forms G97R, G86R.
Identifiers: ClinVar variation 2158879 (VCV002158879.3), dbSNP rs767381092, ClinGen allele CA9487903.

ClinVar aggregate classification (germline): Uncertain significance. Review status: criteria provided, multiple submitters, no conflicts (2 of 4 stars). 3 submissions from 3 submitters: Uncertain significance (3). Last evaluated 2025-11-03.

Conditions:
Inborn genetic diseases. Identifiers: MedGen C0950123, MeSH D030342.
Ethylmalonic encephalopathy (EE). Also called: EPEMA syndrome; Encephalopathy, petechiae, and ethylmalonic aciduria; Syndrome of encephalopathy, petechiae, and ethylmalonic aciduria. Identifiers: Orphanet 51188, MedGen C1865349, MONDO:0011229, OMIM 602473. Disease mechanism: loss of function.

Allele frequency attached by ClinVar (database versions not stated): gnomAD 0.00001; ExAC 0.00004.
gnomAD v4.1: 9 of 1,614,024 alleles (0.00056%); highest among the groups gnomAD compares: East Asian, 0.018%; no homozygotes.

Submissions (3):

Ambry Genetics
Classification: Uncertain significance for Inborn genetic diseases. Last evaluated: 2025-11-03. Review status: criteria provided, single submitter. Criteria: Ambry Variant Classification Scheme 2023. Collection method: clinical testing. Allele origin: germline.

Labcorp Genetics (formerly Invitae), Labcorp
Classification: Uncertain significance for Ethylmalonic encephalopathy. Last evaluated: 2021-08-13. Review status: criteria provided, single submitter. Criteria: Invitae Variant Classification Sherloc (09022015). Collection method: clinical testing. Allele origin: germline.
Comment: This sequence change replaces glycine with arginine at codon 97 of the ETHE1 protein (p.Gly97Arg). The glycine residue is highly conserved and there is a moderate physicochemical difference between glycine and arginine. This variant is present in population databases (rs767381092, ExAC 0.06%). This variant has not been reported in the literature in individuals affected with ETHE1-related conditions. Algorithms developed to predict the effect of missense changes on protein structure and function are either unavailable or do not agree on the potential impact of this missense change (SIFT: "Deleterious"; PolyPhen-2: "Benign"; Align-GVGD: "Class C0"). In summary, the available evidence is currently insufficient to determine the role of this variant in disease. Therefore, it has been classified as a Variant of Uncertain Significance.

Department of Pathology and Laboratory Medicine, Sinai Health System
Classification: Uncertain significance for Ethylmalonic encephalopathy. Last evaluated: 2021-08-11. Review status: criteria provided, single submitter. Criteria: ACMG Guidelines, 2015. Collection method: research. Allele origin: germline.